The following is an entry in ClinVar:

NM_006379.5(SEMA3C):c.539-4A>G

Gene: SEMA3C (semaphorin 3C; minus strand). Cytogenetic location: 7q21.11.
Variant type: single nucleotide variant.
Coding change: c.539-4A>G on transcript NM_006379.5 (MANE Select); 4 bases into the intron before coding-DNA position 539, A replaced by G.
Molecular consequence: intron variant.
Genome position (GRCh38, 1-based): chr7:80,805,762, T>C on the plus strand (A>G on the coding strand, the complement: SEMA3C is on the minus strand). VCF-style: chr7-80805762-T-C. GRCh37 (hg19) VCF-style: chr7-80435078-T-C.
Other names: c.593-4A>G (NM_001350120.2); c.365-4A>G (NM_001350121.2).
Identifiers: ClinVar variation 3355819 (VCV003355819.1).
Genomic context (GRCh38, chr7:80,805,762, plus strand): 5'-AAATAGCAGCATCTGTCCCCATGAAATCTATATACATTCCAGAGAAAAGCTCCTCATCTA[T>C]GAAAAAGAAAATATCAATGAAATGTAAATTTTTAAAGCTATTTTGAAATTCTAGGTGAGT-3'

ClinVar aggregate classification (germline): Likely benign (0 of 4 stars; one submission).

Conditions:
SEMA3C-related disorder. Also called: SEMA3C-related condition.

Submission:

PreventionGenetics, part of Exact Sciences
Classification: Likely benign for SEMA3C-related condition. Last evaluated: 2022-01-03. Review status: no assertion criteria provided. Collection method: clinical testing. Allele origin: germline.
Comment: This variant is classified as likely benign based on ACMG/AMP sequence variant interpretation guidelines (Richards et al. 2015 PMID: 25741868, with internal and published modifications).